The following is an entry in ClinVar:

ClinVar aggregate classification (germline): Uncertain significance (1 of 4 stars; one submission).

Submission:

GeneDx
Classification: Uncertain significance. Last evaluated: 2025-02-24. Review status: criteria provided, single submitter. Criteria: GeneDx Variant Classification Process June 2021. Collection method: clinical testing. Allele origin: germline. Affected: yes.
Comment: Not observed at significant frequency in large population cohorts (gnomAD); In silico analysis supports a deleterious effect on splicing; Has not been previously published as pathogenic or benign to our knowledge

NM_025114.4(CEP290):c.5227-8A>G

Gene: CEP290 (centrosomal protein 290; minus strand). Cytogenetic location: 12q21.32.
Variant type: single nucleotide variant.
Coding change: c.5227-8A>G on transcript NM_025114.4 (MANE Select); 8 bases into the intron before coding-DNA position 5227, A replaced by G.
Molecular consequence: intron variant.
Genome position (GRCh38, 1-based): chr12:88,079,237, T>C on the plus strand (A>G on the coding strand, the complement: CEP290 is on the minus strand). VCF-style: chr12-88079237-T-C. GRCh37 (hg19) VCF-style: chr12-88473014-T-C.
Identifiers: ClinVar variation 4076613 (VCV004076613.1).
Genomic context (GRCh38, chr12:88,079,237, plus strand): 5'-TCAGCAGCTGCTGTCATTTCTGCCCGGAGTTCTAAAAGTGCCCGACTAAGTGCCTAAAAA[T>C]TAACCAAAAAAAAAATGTAATTTTTAAAGGAAAACTGACATTTTATATGAATATATGATA-3'